The following is an entry in ClinVar:

NM_030662.4(MAP2K2):c.619G>A (p.Glu207Lys)

Gene: MAP2K2 (mitogen-activated protein kinase kinase 2; minus strand). Cytogenetic location: 19p13.3.
Variant type: single nucleotide variant.
Coding change: c.619G>A on transcript NM_030662.4 (MANE Select); coding-DNA position 619, G replaced by A.
Protein change: p.Glu207Lys; replaces glutamic acid 207 with lysine.
Molecular consequence: missense variant.
Genome position (GRCh38, 1-based): chr19:4,101,105, C>T on the plus strand (G>A on the coding strand, the complement: MAP2K2 is on the minus strand). VCF-style: chr19-4101105-C-T. GRCh37 (hg19) VCF-style: chr19-4101103-C-T.
Other names: p.E207K:GAG>AAG; NM_030662.3(MAP2K2):c.619G>A; short protein forms E207K.
Identifiers: ClinVar variation 40813 (VCV000040813.55), dbSNP rs727504382, ClinGen allele CA180944.
Genomic context (GRCh38, chr19:4,101,105, plus strand): 5'-AGGAGTTGGCCATGGAGTCGATGAGCTGGCCGCTCACCCCGAAGTCACACAGCTTGATCT[C>T]CCCTCTAGAGTTCACGAGGATGTTGGAGGGCTTCACATCTGGAGGCGGCAGGCTGCGGGT-3'
Protein context (NP_109587.1, residues 197-217): PSNILVNSRG[Glu207Lys]IKLCDFGVSG

ClinVar aggregate classification (germline): Likely pathogenic. Review status: reviewed by expert panel (3 of 4 stars). 9 submissions from 9 submitters: Likely pathogenic (1). 8 of the submissions do not count toward it. Last evaluated 2017-05-09.

Conditions:
MAP2K2-related disorder. Also called: MAP2K2-related condition.
Cardio-facio-cutaneous syndrome. Also called: Cardiofaciocutaneous syndrome; CFC syndrome. Identifiers: Orphanet 1340, MedGen C1275081, MONDO:0015280. Disease mechanism: gain of function.
Noonan syndrome (NS). Also called: Noonan's syndrome. Identifiers: Orphanet 648, MedGen C0028326, MeSH D009634, MONDO:0018997. Disease mechanism: gain of function.
RASopathy. Also called: rasopathies; Noonan spectrum disorder. Identifiers: Orphanet 536391, MedGen C5555857, MONDO:0021060.

Submissions (9):

ClinGen RASopathy Variant Curation Expert Panel
Classification: Likely pathogenic for Cardio-facio-cutaneous syndrome. Last evaluated: 2017-05-09. Review status: reviewed by expert panel. Criteria: ClinGen RASopathy ACMG Specifications v1. Collection method: curation. Allele origin: germline. Inheritance: Autosomal dominant inheritance.
Comment: The c.619G>A (p.Glu207Lys) variant in MAP2K2 has been reported in the literature in at least 2 unconfirmed de novo occurrences in patients with clinical features of a RASopathy (PM6_Strong; LMM GeneDx internal data; GTR ID's 21766, 26957; SCV000207959.10, SCV000204213.4). The p.Glu207Lys variant has been identified in 2 independent occurrences in patients with a RASopathy (PS4_Supporting; LMM GeneDx internal data; GTR ID's 21766, 26957; SCV000207959.10, SCV000204213.4). This variant was absent from large population studies (PM2; ExAC). Computational prediction tools and conservation analysis suggest that the p.Glu207Lys variant may impact the protein (PP3). The variant is located in the MAP2K2 gene, which has been defined by the ClinGen RASopathy Expert Panel as a gene with a low rate of benign missense variants and pathogenic missense variants are common (PP2; PMID: 29493581). In summary, this variant meets criteria to be classified as likely pathogenic for RASopathies in an autosomal dominant manner. RASopathy-specific ACMG/AMP criteria applied (PMID:29493581): PM6_Strong, PS4_Supporting, PM2, PP3, PP2.

PreventionGenetics, part of Exact Sciences
Classification: Likely pathogenic for MAP2K2-related condition. Last evaluated: 2025-03-10. Review status: criteria provided, single submitter. Criteria: ACMG Guidelines, 2015. Collection method: clinical testing. Allele origin: germline. Not counted in ClinVar's aggregate classification.
Comment: The MAP2K2 c.619G>A variant is predicted to result in the amino acid substitution p.Glu207Lys. This variant was reported in an individual with cardio-facio-cutaneous syndrome (Pierpont et al. 2022. PubMed ID: 35524774). This variant is also classified by an expert panel in ClinVar as likely pathogenic. This variant has not been reported in a large population database (gnomAD), indicating this variant is rare. This variant is interpreted as likely pathogenic.

CeGaT Center for Human Genetics Tuebingen
Classification: Likely pathogenic. Last evaluated: 2024-08-01. Review status: criteria provided, single submitter. Criteria: CeGaT Center For Human Genetics Tuebingen Variant Classification Criteria Version 2. Collection method: clinical testing. Allele origin: germline. Affected: yes. Observed: 2 variant alleles. Not counted in ClinVar's aggregate classification.
Comment: MAP2K2: PM2, PM5, PS4:Moderate, PM6:Supporting

Clinical Genetics Laboratory, Skane University Hospital Lund
Classification: Pathogenic. Last evaluated: 2022-05-27. Review status: criteria provided, single submitter. Criteria: ACMG Guidelines, 2015. Collection method: clinical testing. Allele origin: germline. Affected: yes. Not counted in ClinVar's aggregate classification.

Labcorp Genetics (formerly Invitae), Labcorp
Classification: Pathogenic for RASopathy. Last evaluated: 2022-02-12. Review status: criteria provided, single submitter. Criteria: Invitae Variant Classification Sherloc (09022015). Collection method: clinical testing. Allele origin: germline. Not counted in ClinVar's aggregate classification.
Comment: For these reasons, this variant has been classified as Pathogenic. ClinVar contains an entry for this variant (Variation ID: 40813). Advanced modeling of protein sequence and biophysical properties (such as structural, functional, and spatial information, amino acid conservation, physicochemical variation, residue mobility, and thermodynamic stability) performed at Invitae indicates that this missense variant is expected to disrupt MAP2K2 protein function. This variant is not present in population databases (gnomAD no frequency). This missense change has been observed in individual(s) with clinical features of MAP2K2-related conditions (PMID: 33452774; Invitae). In at least one individual the variant was observed to be de novo. This sequence change replaces glutamic acid, which is acidic and polar, with lysine, which is basic and polar, at codon 207 of the MAP2K2 protein (p.Glu207Lys).

GeneDx
Classification: Pathogenic. Last evaluated: 2021-10-05. Review status: criteria provided, single submitter. Criteria: GeneDx Variant Classification Process June 2021. Collection method: clinical testing. Allele origin: germline. Affected: yes. Not counted in ClinVar's aggregate classification.
Comment: Reported as a somatic variant identified in malignant melanomas (Nikolaev et al., 2012); Not observed in large population cohorts (Lek et al., 2016); In silico analysis, which includes protein predictors and evolutionary conservation, supports a deleterious effect; The majority of missense variants in this gene are considered pathogenic (Stenson et al., 2014); This variant is associated with the following publications: (PMID: 24055054, 22197931, 27301426)

Women's Health and Genetics/Laboratory Corporation of America, LabCorp
Classification: Likely pathogenic for Cardio-facio-cutaneous syndrome. Last evaluated: 2021-05-24. Review status: criteria provided, single submitter. Criteria: LabCorp Variant Classification Summary - May 2015. Collection method: clinical testing. Allele origin: germline. Not counted in ClinVar's aggregate classification.
Comment: Variant summary: MAP2K2 c.619G>A (p.Glu207Lys) results in a conservative amino acid change in the encoded protein sequence. Three of five in-silico tools predict a damaging effect of the variant on protein function. The variant was absent in 236530 control chromosomes (gnomAD). The available data on variant occurrences in the general population are insufficient to allow any conclusion about variant significance. c.619G>A has been reported in the literature in at least an individual affected with Cardiofaciocutaneous Syndrome (Lallar_2020). Additionally, several reportedly de novo occurrences have been mentioned in ClinVar (SCV000815593.1, SCV000207959.10, SCV000204213.4). Four ClinVar submitters (evaluation after 2014) including an expert panel (ClinGen RASopathy Variant Curation Expert Panel) cite the variant as Pathogenic (n=2) or likely pathogenic (n=2). Based on the evidence outlined above, the variant was classified as likely pathogenic.

Blueprint Genetics
Classification: Pathogenic for MAP2K2-related disorders. Last evaluated: 2017-05-16. Review status: criteria provided, single submitter. Criteria: ACMG Guidelines, 2015. Collection method: clinical testing. Allele origin: germline. Affected: yes. Observed: 1 variant allele. Not counted in ClinVar's aggregate classification.

Laboratory for Molecular Medicine, Mass General Brigham Personalized Medicine
Classification: Likely pathogenic for Noonan syndrome; Cardio-facio-cutaneous syndrome. Last evaluated: 2013-12-23. Review status: criteria provided, single submitter. Criteria: LMM Criteria. Collection method: clinical testing. Allele origin: germline. Inheritance: Autosomal dominant inheritance. Observed: 2 variant alleles. Not counted in ClinVar's aggregate classification.
Comment: The Glu207Lys variant in MAP2K2 has been identified by our laboratory in 2 indiv iduals with clinical features of Noonan syndrome and Cardio-facio-cutaneous synd rome. In addition, this variant is absent in large population studies. Co mputational analyses (biochemical amino acid properties, conservation, AlignGVGD , PolyPhen2, and SIFT) suggest that the Glu207Lys variant may impact the protein . In summary, this variant is likely pathogenic, though additional studies are r equired to fully establish its clinical significance.

Literature cited by the submitters: PubMed 33452774 (cited by Labcorp Genetics (formerly Invitae), Labcorp and Women's Health and Genetics/Laboratory Corporation of America, LabCorp).